The following is an entry in ClinVar:

NM_005732.4(RAD50):c.881A>G (p.Glu294Gly)

Gene: RAD50 (RAD50 double strand break repair protein; plus strand). Cytogenetic location: 5q31.1.
Variant type: single nucleotide variant.
Coding change: c.881A>G on transcript NM_005732.4 (MANE Select); coding-DNA position 881, A replaced by G.
Protein change: p.Glu294Gly; replaces glutamic acid 294 with glycine.
Molecular consequence: missense variant.
Genome position (GRCh38, 1-based): chr5:132,587,686, A>G. VCF-style: chr5-132587686-A-G. GRCh37 (hg19) VCF-style: chr5-131923378-A-G.
Other names: c.881A>G (NM_005732.3); short protein forms E294G.
Identifiers: ClinVar variation 2126815 (VCV002126815.6), dbSNP rs1296577319, ClinGen allele CA360940623.

ClinVar aggregate classification (germline): Uncertain significance. Review status: criteria provided, multiple submitters, no conflicts (2 of 4 stars). 2 submissions from 2 submitters: Uncertain significance (2). Last evaluated 2023-08-31.

Conditions:
Hereditary cancer-predisposing syndrome. Also called: Hereditary neoplastic syndrome; Tumor predisposition; Hereditary Cancer Syndrome; Neoplastic Syndromes, Hereditary. Identifiers: Orphanet 140162, MedGen C0027672, MeSH D009386, MONDO:0015356.

Submissions (2):

Ambry Genetics
Classification: Uncertain significance for Hereditary cancer-predisposing syndrome. Last evaluated: 2023-08-31. Review status: criteria provided, single submitter. Criteria: Ambry Variant Classification Scheme 2023. Collection method: clinical testing. Allele origin: germline.
Comment: The p.E294G variant (also known as c.881A>G), located in coding exon 6 of the RAD50 gene, results from an A to G substitution at nucleotide position 881. The glutamic acid at codon 294 is replaced by glycine, an amino acid with similar properties. This amino acid position is conserved. In addition, the in silico prediction for this alteration is inconclusive. Since supporting evidence is limited at this time, the clinical significance of this alteration remains unclear.

Labcorp Genetics (formerly Invitae), Labcorp
Classification: Uncertain significance for Hereditary cancer-predisposing syndrome. Last evaluated: 2022-04-16. Review status: criteria provided, single submitter. Criteria: Invitae Variant Classification Sherloc (09022015). Collection method: clinical testing. Allele origin: germline.
Comment: In summary, the available evidence is currently insufficient to determine the role of this variant in disease. Therefore, it has been classified as a Variant of Uncertain Significance. Algorithms developed to predict the effect of missense changes on protein structure and function are either unavailable or do not agree on the potential impact of this missense change (SIFT: "Deleterious"; PolyPhen-2: "Possibly Damaging"; Align-GVGD: "Class C0"). This variant has not been reported in the literature in individuals affected with RAD50-related conditions. This variant is not present in population databases (gnomAD no frequency). This sequence change replaces glutamic acid, which is acidic and polar, with glycine, which is neutral and non-polar, at codon 294 of the RAD50 protein (p.Glu294Gly).